The following is an entry in ClinVar:

NM_000256.3(MYBPC3):c.3400G>T (p.Gly1134Cys)

Gene: MYBPC3 (myosin binding protein C3; minus strand). Cytogenetic location: 11p11.2.
Variant type: single nucleotide variant.
Coding change: c.3400G>T on transcript NM_000256.3 (MANE Select); coding-DNA position 3400, G replaced by T.
Protein change: p.Gly1134Cys; replaces glycine 1134 with cysteine.
Molecular consequence: missense variant.
Genome position (GRCh38, 1-based): chr11:47,332,904, C>A on the plus strand (G>T on the coding strand, the complement: MYBPC3 is on the minus strand). VCF-style: chr11-47332904-C-A. GRCh37 (hg19) VCF-style: chr11-47354455-C-A.
Other names: short protein forms G1134C.
Identifiers: ClinVar variation 4758876 (VCV004758876.1).

ClinVar aggregate classification (germline): Uncertain significance (1 of 4 stars; one submission).

Conditions:
Cardiomyopathy (CMYO). Also called: Cardiomyopathies. Identifiers: Orphanet 167848, MedGen C0878544, MONDO:0004994, HP:0001638. Inheritance: Various modes of inheritance.

Submission:

Color Diagnostics, LLC DBA Color Health
Classification: Uncertain significance for Cardiomyopathy. Last evaluated: 2025-07-15. Review status: criteria provided, single submitter. Criteria: ACMG Guidelines, 2015. Collection method: clinical testing. Allele origin: germline.
Comment: This missense variant replaces glycine with cysteine at codon 1134 of the MYBPC3 protein. Computational prediction suggests that this variant may not impact protein structure and function. To our knowledge, functional studies have not been reported for this variant. This variant has not been reported in individuals affected with MYBPC3-related disorders in the literature. This variant has not been identified in the general population by the Genome Aggregation Database (gnomAD). The available evidence is insufficient to determine the role of this variant in disease conclusively. Therefore, this variant is classified as a Variant of Uncertain Significance.